The following is an entry in ClinVar:

NM_001447.3(FAT2):c.8101C>T (p.Pro2701Ser)

Genes: FAT2 (FAT atypical cadherin 2; minus strand), SLC36A1 (solute carrier family 36 member 1; plus strand). Cytogenetic location: 5q33.1.
Variant type: single nucleotide variant.
Coding change: c.8101C>T on transcript NM_001447.3 (MANE Select); coding-DNA position 8101, C replaced by T.
Protein change: p.Pro2701Ser; replaces proline 2701 with serine.
Molecular consequence: missense variant.
Genome position (GRCh38, 1-based): chr5:151,543,026, G>A on the plus strand (C>T on the coding strand, the complement: FAT2 is on the minus strand). VCF-style: chr5-151543026-G-A. GRCh37 (hg19) VCF-style: chr5-150922587-G-A.
Other names: short protein forms P2701S.
Identifiers: ClinVar variation 2110785 (VCV002110785.4), dbSNP rs2479843031, ClinGen allele CA361832778.

ClinVar aggregate classification (germline): Uncertain significance (1 of 4 stars; one submission).

Allele frequency attached by ClinVar (database versions not stated): gnomAD exomes below 0.00001.
gnomAD v4.1: 1 of 1,614,168 alleles (0.000062%); highest among the groups gnomAD compares: Non-Finnish European, 0.000085%; no homozygotes.

Submission:

Labcorp Genetics (formerly Invitae), Labcorp
Classification: Uncertain significance. Last evaluated: 2022-03-27. Review status: criteria provided, single submitter. Criteria: Invitae Variant Classification Sherloc (09022015). Collection method: clinical testing. Allele origin: germline.
Comment: This sequence change replaces proline, which is neutral and non-polar, with serine, which is neutral and polar, at codon 2701 of the FAT2 protein (p.Pro2701Ser). In summary, the available evidence is currently insufficient to determine the role of this variant in disease. Therefore, it has been classified as a Variant of Uncertain Significance. Algorithms developed to predict the effect of missense changes on protein structure and function output the following: SIFT: "Tolerated"; PolyPhen-2: "Benign"; Align-GVGD: "Class C0". The serine amino acid residue is found in multiple mammalian species, which suggests that this missense change does not adversely affect protein function. This variant has not been reported in the literature in individuals affected with FAT2-related conditions. This variant is not present in population databases (gnomAD no frequency).